The following is an entry in ClinVar:

ClinVar aggregate classification (germline): Pathogenic (1 of 4 stars; one submission).

Conditions:
Familial thoracic aortic aneurysm and aortic dissection (TAAD). Also called: Thoracic aortic aneurysms and dissections. Identifiers: Orphanet 91387, MedGen C4707243, MONDO:0019625.
Marfan syndrome (MFS). Also called: MARFAN SYNDROME, TYPE I; Marfan syndrome type 1; Marfan's syndrome; Marfan syndrome, classic; FBN1-Related Marfan Syndrome. Identifiers: Orphanet 284963, Orphanet 558, MedGen C0024796, MONDO:0007947, OMIM 154700.

Submission:

Labcorp Genetics (formerly Invitae), Labcorp
Classification: Pathogenic for Marfan syndrome; Familial thoracic aortic aneurysm and aortic dissection. Last evaluated: 2022-09-15. Review status: criteria provided, single submitter. Criteria: Invitae Variant Classification Sherloc (09022015). Collection method: clinical testing. Allele origin: germline.
Comment: This variant is not present in population databases (gnomAD no frequency). For these reasons, this variant has been classified as Pathogenic. This variant has not been reported in the literature in individuals affected with FBN1-related conditions. This sequence change creates a premature translational stop signal (p.Thr307Serfs*40) in the FBN1 gene. It is expected to result in an absent or disrupted protein product. Loss-of-function variants in FBN1 are known to be pathogenic (PMID: 17657824, 19293843).

Literature cited by the submitters: PubMed 17657824; PubMed 19293843.

NM_000138.5(FBN1):c.920_921del (p.Thr307fs)

Gene: FBN1 (fibrillin 1; minus strand). Cytogenetic location: 15q21.1.
Variant type: Microsatellite.
Coding change: c.920_921del on transcript NM_000138.5 (MANE Select); coding-DNA positions 920 to 921, 2 bases deleted (CA; older notation c.920_921delCA).
Protein change: p.Thr307fs; shifts the reading frame from threonine 307.
Molecular consequence: frameshift variant.
Genome position (GRCh38, 1-based): chr15:48,526,197-48,526,198, TG deleted on the plus strand (CA on the coding strand, the reverse complement: FBN1 is on the minus strand); deleting any 2 consecutive bases within chr15:48,526,197-48,526,201 gives the same sequence; the c. name uses the placement nearest the transcript's 3' end. VCF-style (leftmost placement, unchanged base first): chr15-48526196-CTG-C. GRCh37 (hg19) VCF-style: chr15-48818393-CTG-C.
Other names: c.917_918AC[1], p.Thr307Serfs (NM_001406716.1); short protein forms T307fs.
Identifiers: ClinVar variation 2030703 (VCV002030703.4), dbSNP rs2505640863, ClinGen allele CA2580613817.
Genomic context (GRCh38, chr15:48,526,196, plus strand): 5'-ATCTGGTACCATCTGGAGAGGTGTAAAAACCAGGGGGACATTTGCAAAAGTAACTGCTGA[CTG>C]TGTTTGTACATTCACCCCCTTCACAGATTCCAGGAATGGTGCTGCATTCATCAATATCTG-3'